The following is an entry in ClinVar:

NM_001122819.3(KIF17):c.1449C>T (p.Ser483=)

Gene: KIF17 (kinesin family member 17; minus strand). Cytogenetic location: 1p36.12.
Variant type: single nucleotide variant.
Coding change: c.1449C>T on transcript NM_001122819.3 (MANE Select); coding-DNA position 1449, C replaced by T.
Protein change: p.Ser483=; no amino-acid change (serine 483 retained).
Molecular consequence: synonymous variant.
Genome position (GRCh38, 1-based): chr1:20,687,877, G>A on the plus strand (C>T on the coding strand, the complement: KIF17 is on the minus strand). VCF-style: chr1-20687877-G-A. GRCh37 (hg19) VCF-style: chr1-21014370-G-A.
Other names: c.1149C>T, p.Ser383= (NM_001287212.2); c.1449C>T, p.Ser483= (NM_020816.4).
Identifiers: ClinVar variation 3771497 (VCV003771497.13).

ClinVar aggregate classification (germline): Likely benign (1 of 4 stars; one submission).

gnomAD v4.1: 8 of 1,613,984 alleles (0.0005%); highest among the groups gnomAD compares: Non-Finnish European, 0.00068%; no homozygotes.

Submission:

CeGaT Center for Human Genetics Tuebingen
Classification: Likely benign. Last evaluated: 2025-01-01. Review status: criteria provided, single submitter. Criteria: CeGaT Center For Human Genetics Tuebingen Variant Classification Criteria Version 2. Collection method: clinical testing. Allele origin: germline. Affected: yes. Observed: 1 variant allele.
Comment: KIF17: BP4, BP7